The following is an entry in ClinVar:

NM_001165963.4(SCN1A):c.3093T>A (p.Tyr1031Ter)

Genes: SCN1A (sodium voltage-gated channel alpha subunit 1; minus strand), LOC102724058 (uncharacterized LOC102724058; plus strand). Cytogenetic location: 2q24.3.
Variant type: single nucleotide variant.
Coding change: c.3093T>A on transcript NM_001165963.4 (MANE Select); coding-DNA position 3093, T replaced by A.
Protein change: p.Tyr1031Ter; replaces tyrosine 1031 with a stop codon.
Molecular consequence: nonsense. On other transcripts: non-coding transcript variant (2).
Genome position (GRCh38, 1-based): chr2:166,036,384, A>T on the plus strand (T>A on the coding strand, the complement: SCN1A is on the minus strand). VCF-style: chr2-166036384-A-T. GRCh37 (hg19) VCF-style: chr2-166892894-A-T.
Other names: c.3009T>A, p.Tyr1003Ter (NM_001165964.3, NM_001353957.2, NM_001353958.2); c.3093T>A, p.Tyr1031Ter (NM_001202435.3, NM_001353948.2); c.3060T>A, p.Tyr1020Ter (NM_001353949.2, NM_001353950.2, NM_001353951.2 and 2 more transcripts); c.3057T>A, p.Tyr1019Ter (NM_001353954.2, NM_001353955.2); c.3006T>A, p.Tyr1002Ter (NM_001353960.2); c.651T>A, p.Tyr217Ter (NM_001353961.2); short protein forms Y1020*, Y1031*, Y1003*, Y1019*, Y1002*, Y217*.
Identifiers: ClinVar variation 489284 (VCV000489284.2), dbSNP rs1553540382, ClinGen allele CA349060034.

ClinVar aggregate classification (germline): Pathogenic (1 of 4 stars; one submission).

Submission:

GeneDx
Classification: Pathogenic. Last evaluated: 2017-12-21. Review status: criteria provided, single submitter. Criteria: GeneDx Variant Classification (06012015). Collection method: clinical testing. Allele origin: germline. Affected: yes.
Comment: The Y1031X nonsense variant in the SCN1A gene is predicted to cause loss of normal protein function either through protein truncation or nonsense-mediated mRNA decay. The Y1031X variant is not observed in large population cohorts (Lek et al., 2016). Although this pathogenic variant has not been reported previously to our knowledge, its presence is consistent with the diagnosis of an SCN1A-related disorder